The following is an entry in ClinVar:

NM_016122.3(CEP83):c.760C>T (p.Arg254Trp)

Gene: CEP83 (centrosomal protein 83; minus strand). Cytogenetic location: 12q22.
Variant type: single nucleotide variant.
Coding change: c.760C>T on transcript NM_016122.3 (MANE Select); coding-DNA position 760, C replaced by T.
Protein change: p.Arg254Trp; replaces arginine 254 with tryptophan.
Molecular consequence: missense variant. On other transcripts: non-coding transcript variant (3).
Genome position (GRCh38, 1-based): chr12:94,378,832, G>A on the plus strand (C>T on the coding strand, the complement: CEP83 is on the minus strand). VCF-style: chr12-94378832-G-A. GRCh37 (hg19) VCF-style: chr12-94772608-G-A.
Other names: c.760C>T, p.Arg254Trp (NM_001042399.2, NM_001346457.2, NM_001346460.2 and 3 more transcripts); c.448C>T, p.Arg150Trp (NM_001346458.2, NM_001346459.2, NM_001346462.2 and 2 more transcripts); c.535C>T, p.Arg179Trp (NM_001368041.1); c.223C>T, p.Arg75Trp (NM_001368042.1); short protein forms R75W, R150W, R179W, R254W.
Identifiers: ClinVar variation 954302 (VCV000954302.8), dbSNP rs373726888, ClinGen allele CA6721852.

ClinVar aggregate classification (germline): Uncertain significance. Review status: criteria provided, multiple submitters, no conflicts (2 of 4 stars). 2 submissions from 2 submitters: Uncertain significance (2). Last evaluated 2024-08-12.

Conditions:
Nephronophthisis 18 (NPHP18). Identifiers: Orphanet 655, MedGen C3890591, MONDO:0014374, OMIM 615862.

Allele frequency attached by ClinVar (database versions not stated): ExAC 0.00001; gnomAD 0.00001; gnomAD exomes 0.00001; TOPMed 0.00001; ESP Exome Variant Server 0.00017.
gnomAD v4.1: 20 of 1,613,858 alleles (0.0012%); highest among the groups gnomAD compares: East Asian, 0.0045%; no homozygotes.

Submissions (2):

Labcorp Genetics (formerly Invitae), Labcorp
Classification: Uncertain significance for Nephronophthisis 18. Last evaluated: 2024-08-12. Review status: criteria provided, single submitter. Criteria: Invitae Variant Classification Sherloc (09022015). Collection method: clinical testing. Allele origin: germline.
Comment: This sequence change replaces arginine, which is basic and polar, with tryptophan, which is neutral and slightly polar, at codon 254 of the CEP83 protein (p.Arg254Trp). This variant is present in population databases (rs373726888, gnomAD 0.02%). This variant has not been reported in the literature in individuals affected with CEP83-related conditions. ClinVar contains an entry for this variant (Variation ID: 954302). Advanced modeling of protein sequence and biophysical properties (such as structural, functional, and spatial information, amino acid conservation, physicochemical variation, residue mobility, and thermodynamic stability) performed at Invitae indicates that this missense variant is expected to disrupt CEP83 protein function with a positive predictive value of 80%. In summary, the available evidence is currently insufficient to determine the role of this variant in disease. Therefore, it has been classified as a Variant of Uncertain Significance.

GeneDx
Classification: Uncertain significance. Last evaluated: 2023-05-08. Review status: criteria provided, single submitter. Criteria: GeneDx Variant Classification Process June 2021. Collection method: clinical testing. Allele origin: germline. Affected: yes.
Comment: In silico analysis supports that this missense variant has a deleterious effect on protein structure/function; Has not been previously published as pathogenic or benign to our knowledge